The following is an entry in ClinVar:

NM_001277115.2(DNAH11):c.13380_13387dup (p.Lys4463fs)

Genes: CDCA7L (cell division cycle associated 7 like; minus strand), DNAH11 (dynein axonemal heavy chain 11; plus strand). Cytogenetic location: 7p15.3.
Variant type: Duplication.
Coding change: c.13380_13387dup on transcript NM_001277115.2 (MANE Select); coding-DNA positions 13380 to 13387, 8 bases duplicated (CTTTGCAA; older notation c.13380_13387dupCTTTGCAA).
Protein change: p.Lys4463fs; shifts the reading frame from lysine 4463.
Molecular consequence: frameshift variant. On other transcripts: 3 prime UTR variant (3).
Genome position (GRCh38, 1-based): chr7:21,901,083-21,901,090, CTTTGCAA duplicated. VCF-style (leftmost placement, unchanged base first): chr7-21901082-T-TCTTTGCAA. GRCh37 (hg19) VCF-style: chr7-21940700-T-TCTTTGCAA.
Other names: c.*1232_*1239dup (NM_001127370.3, NM_001127371.3, NM_018719.5); short protein forms K4463fs.
Identifiers: ClinVar variation 3650405 (VCV003650405.2).

ClinVar aggregate classification (germline): Pathogenic (1 of 4 stars; one submission).

Conditions:
Primary ciliary dyskinesia. Also called: Ciliary dyskinesia. Identifiers: Orphanet 244, MedGen C0008780, MONDO:0016575, HP:0012265.

Submission:

Labcorp Genetics (formerly Invitae), Labcorp
Classification: Pathogenic for Primary ciliary dyskinesia. Last evaluated: 2024-04-18. Review status: criteria provided, single submitter. Criteria: Invitae Variant Classification Sherloc (09022015). Collection method: clinical testing. Allele origin: germline.
Comment: This sequence change creates a premature translational stop signal (p.Lys4463Thrfs*26) in the DNAH11 gene. While this is not anticipated to result in nonsense mediated decay, it is expected to disrupt the last 54 amino acid(s) of the DNAH11 protein. This variant is not present in population databases (gnomAD no frequency). This variant has not been reported in the literature in individuals affected with DNAH11-related conditions. This variant disrupts a region of the DNAH11 protein in which other variant(s) (p.Trp4505Serfs*10) have been determined to be pathogenic (Invitae). This suggests that this is a clinically significant region of the protein, and that variants that disrupt it are likely to be disease-causing. For these reasons, this variant has been classified as Pathogenic.